The following is an entry in ClinVar:

ClinVar aggregate classification (germline): Uncertain significance (1 of 4 stars; one submission).

Conditions:
Familial thoracic aortic aneurysm and aortic dissection (TAAD). Also called: Thoracic aortic aneurysms and dissections. Identifiers: Orphanet 91387, MedGen C4707243, MONDO:0019625.

Submission:

Color Diagnostics, LLC DBA Color Health
Classification: Uncertain significance for Familial thoracic aortic aneurysm and aortic dissection. Last evaluated: 2025-09-14. Review status: criteria provided, single submitter. Criteria: ACMG Guidelines, 2015. Collection method: clinical testing. Allele origin: germline.
Comment: This missense variant replaces proline with alanine at codon 558 of the TGFBR2 protein. Computational prediction is inconclusive regarding the impact of this variant on protein structure and function. To our knowledge, functional studies have not been reported for this variant. This variant has not been reported in individuals affected with TGFBR2-related disorders in the literature. This variant has not been identified in the general population by the Genome Aggregation Database (gnomAD). The available evidence is insufficient to determine the role of this variant in disease conclusively. Therefore, this variant is classified as a Variant of Uncertain Significance.

NM_003242.6(TGFBR2):c.1672C>G (p.Pro558Ala)

Gene: TGFBR2 (transforming growth factor beta receptor 2; plus strand). Cytogenetic location: 3p24.1.
Variant type: single nucleotide variant.
Coding change: c.1672C>G on transcript NM_003242.6 (MANE Select); coding-DNA position 1672, C replaced by G.
Protein change: p.Pro558Ala; replaces proline 558 with alanine.
Molecular consequence: missense variant.
Genome position (GRCh38, 1-based): chr3:30,691,567, C>G. VCF-style: chr3-30691567-C-G. GRCh37 (hg19) VCF-style: chr3-30733059-C-G.
Other names: c.1747C>G, p.Pro583Ala (NM_001024847.3); c.1855C>G, p.Pro619Ala (NM_001407126.1); c.1780C>G, p.Pro594Ala (NM_001407127.1); c.1699C>G, p.Pro567Ala (NM_001407128.1); c.1675C>G, p.Pro559Ala (NM_001407129.1); c.1669C>G, p.Pro557Ala (NM_001407130.1); c.1567C>G, p.Pro523Ala (NM_001407132.1, NM_001407133.1, NM_001407134.1 and 2 more transcripts); c.1387C>G, p.Pro463Ala (NM_001407137.1); and 2 more; short protein forms P268A, P438A, P463A, P523A, P557A, P558A, P559A, P567A.
Identifiers: ClinVar variation 4756557 (VCV004756557.1).